The following is an entry in ClinVar:

NM_014956.5(CEP164):c.2741G>T (p.Arg914Leu)

Gene: CEP164 (centrosomal protein 164; plus strand). Cytogenetic location: 11q23.3.
Variant type: single nucleotide variant.
Coding change: c.2741G>T on transcript NM_014956.5 (MANE Select); coding-DNA position 2741, G replaced by T.
Protein change: p.Arg914Leu; replaces arginine 914 with leucine.
Molecular consequence: missense variant.
Genome position (GRCh38, 1-based): chr11:117,394,474, G>T. VCF-style: chr11-117394474-G-T. GRCh37 (hg19) VCF-style: chr11-117265190-G-T.
Other names: c.2750G>T, p.Arg917Leu (NM_001271933.2); short protein forms R914L, R917L.
Identifiers: ClinVar variation 964026 (VCV000964026.9), dbSNP rs550799764, ClinGen allele CA6295196.
Genomic context (GRCh38, chr11:117,394,474, plus strand): 5'-CCCATGAACGAGAACTGGAGACTGTGAGGCAGGAGCAACACAAGCGTCTTGAGGACTTGC[G>T]GCGCCGGCACAGGGAGCAGGTGAGGGGCCTGGGGCAGGGTGAGCCCACTGTGACCCCTCC-3'
Protein context (NP_055771.4, residues 904-924): QEQHKRLEDL[Arg914Leu]RRHREQERKL

ClinVar aggregate classification (germline): Uncertain significance. Review status: criteria provided, multiple submitters, no conflicts (2 of 4 stars). 3 submissions from 3 submitters: Uncertain significance (2). 1 of the submissions does not count toward it. Last evaluated 2023-05-10.

Conditions:
CEP164-related disorder. Also called: CEP164-related condition.
Nephronophthisis 15 (NPHP15). Identifiers: Orphanet 3156, MedGen C3541853, MONDO:0013917, OMIM 614845.

Allele frequency attached by ClinVar (database versions not stated): gnomAD below 0.00001 and 0.00003; 1000 Genomes Project 30x 0.00031; 1000 Genomes Project 0.00040.
gnomAD v4.1: 126 of 1,613,956 alleles (0.0078%); highest among the groups gnomAD compares: South Asian, 0.13%; 1 homozygote.

Submissions (3):

Blueprint Genetics
Classification: Uncertain significance. Last evaluated: 2023-05-10. Review status: criteria provided, single submitter. Criteria: ACMG Guidelines, 2015. Collection method: clinical testing. Allele origin: germline.

Labcorp Genetics (formerly Invitae), Labcorp
Classification: Uncertain significance for Nephronophthisis 15. Last evaluated: 2022-07-16. Review status: criteria provided, single submitter. Criteria: Invitae Variant Classification Sherloc (09022015). Collection method: clinical testing. Allele origin: germline.
Comment: This sequence change replaces arginine, which is basic and polar, with leucine, which is neutral and non-polar, at codon 914 of the CEP164 protein (p.Arg914Leu). This variant is present in population databases (rs550799764, gnomAD 0.1%). This variant has not been reported in the literature in individuals affected with CEP164-related conditions. ClinVar contains an entry for this variant (Variation ID: 964026). Algorithms developed to predict the effect of missense changes on protein structure and function are either unavailable or do not agree on the potential impact of this missense change (SIFT: "Deleterious"; PolyPhen-2: "Possibly Damaging"; Align-GVGD: "Class C0"). In summary, the available evidence is currently insufficient to determine the role of this variant in disease. Therefore, it has been classified as a Variant of Uncertain Significance.

PreventionGenetics, part of Exact Sciences
Classification: Uncertain significance for CEP164-related condition. Last evaluated: 2024-08-06. Review status: no assertion criteria provided. Collection method: clinical testing. Allele origin: germline. Not counted in ClinVar's aggregate classification.
Comment: The CEP164 c.2741G>T variant is predicted to result in the amino acid substitution p.Arg914Leu. To our knowledge, this variant has not been reported in the literature. This variant is reported in 0.13% of alleles in individuals of South Asian descent in gnomAD. Although we suspect that this variant may be benign, at this time, the clinical significance of this variant is uncertain due to the absence of conclusive functional and genetic evidence.